The following is an entry in ClinVar:

ClinVar aggregate classification (germline): Uncertain significance (1 of 4 stars; one submission).

gnomAD v4.1: 4 of 1,614,006 alleles (0.00025%); highest among the groups gnomAD compares: Non-Finnish European, 0.00034%; no homozygotes.

Submission:

Mayo Clinic Laboratories, Mayo Clinic
Classification: Uncertain significance. Last evaluated: 2025-04-29. Review status: criteria provided, single submitter. Criteria: ACMG Guidelines, 2015. Collection method: clinical testing. Allele origin: germline. Observed: 3 variant alleles.
Comment: PP3_strong, PM2_supporting

NM_000552.5(VWF):c.3301T>G (p.Cys1101Gly)

Gene: VWF (von Willebrand factor; minus strand). Cytogenetic location: 12p13.31.
Variant type: single nucleotide variant.
Coding change: c.3301T>G on transcript NM_000552.5 (MANE Select); coding-DNA position 3301, T replaced by G.
Protein change: p.Cys1101Gly; replaces cysteine 1101 with glycine.
Molecular consequence: missense variant.
Genome position (GRCh38, 1-based): chr12:6,023,709, A>C on the plus strand (T>G on the coding strand, the complement: VWF is on the minus strand). VCF-style: chr12-6023709-A-C. GRCh37 (hg19) VCF-style: chr12-6132875-A-C.
Other names: p.Cys1101Gly; short protein forms C1101G.
Identifiers: ClinVar variation 3380073 (VCV003380073.2).